The following is an entry in ClinVar:

ClinVar aggregate classification (germline): Uncertain significance (1 of 4 stars; one submission).

Conditions:
Hypertrophic cardiomyopathy 14. Identifiers: MedGen C2750467, MONDO:0013197, OMIM 613251.

Submission:

Labcorp Genetics (formerly Invitae), Labcorp
Classification: Uncertain significance for Hypertrophic cardiomyopathy 14. Last evaluated: 2023-08-14. Review status: criteria provided, single submitter. Criteria: Invitae Variant Classification Sherloc (09022015). Collection method: clinical testing. Allele origin: germline.
Comment: This sequence change replaces glutamic acid, which is acidic and polar, with aspartic acid, which is acidic and polar, at codon 1710 of the MYH6 protein (p.Glu1710Asp). This variant is not present in population databases (gnomAD no frequency). This variant has not been reported in the literature in individuals affected with MYH6-related conditions. An algorithm developed to predict the effect of missense changes on protein structure and function (PolyPhen-2) suggests that this variant is likely to be tolerated. In summary, the available evidence is currently insufficient to determine the role of this variant in disease. Therefore, it has been classified as a Variant of Uncertain Significance.

NM_002471.4(MYH6):c.5130G>T (p.Glu1710Asp)

Genes: MYH6 (myosin heavy chain 6; minus strand), LOC126861896 (BRD4-independent group 4 enhancer GRCh37_chr14:23854904-23856103; plus strand). Cytogenetic location: 14q11.2.
Variant type: single nucleotide variant.
Coding change: c.5130G>T on transcript NM_002471.4 (MANE Select); coding-DNA position 5130, G replaced by T.
Protein change: p.Glu1710Asp; replaces glutamic acid 1710 with aspartic acid.
Molecular consequence: missense variant.
Genome position (GRCh38, 1-based): chr14:23,385,961, C>A on the plus strand (G>T on the coding strand, the complement: MYH6 is on the minus strand). VCF-style: chr14-23385961-C-A. GRCh37 (hg19) VCF-style: chr14-23855170-C-A.
Other names: short protein forms E1710D.
Identifiers: ClinVar variation 2908497 (VCV002908497.3), dbSNP rs2502141173, ClinGen allele CA388989271.
Genomic context (GRCh38, chr14:23,385,961, plus strand): 5'-CCACAAGGTGGCTCCTGACCCCCTCACCTGGGAATGCAGCAGCTGCACCCGCTCGCTGGT[C>A]TCAATCAGCTCCTGCTCCGCCAGCTTCCGGGACCGCTCTGTCTGCTCCACCACGGCACGC-3'
Protein context (NP_002462.2, residues 1700-1720): SRKLAEQELI[Glu1710Asp]TSERVQLLHS